The following is an entry in ClinVar:

ClinVar aggregate classification (germline): Uncertain significance (1 of 4 stars; one submission).

Conditions:
Dilated cardiomyopathy 1G (CMD1G). Identifiers: Orphanet 154, MedGen C1858763, MONDO:0011400, OMIM 604145.
Autosomal recessive limb-girdle muscular dystrophy type 2J (LGMDR10). Also called: MUSCULAR DYSTROPHY, LIMB-GIRDLE, AUTOSOMAL RECESSIVE 10; Limb-girdle muscular dystrophy, type 2J. Identifiers: Orphanet 140922, MedGen C1837342, MONDO:0012127, OMIM 608807.

Submission:

Labcorp Genetics (formerly Invitae), Labcorp
Classification: Uncertain significance for Dilated cardiomyopathy 1G; Autosomal recessive limb-girdle muscular dystrophy type 2J. Last evaluated: 2020-06-04. Review status: criteria provided, single submitter. Criteria: Invitae Variant Classification Sherloc (09022015). Collection method: clinical testing. Allele origin: germline.
Comment: This variant, c.104452_104454del, results in the deletion of 1 amino acid(s) of the TTN protein (p.Glu34818del), but otherwise preserves the integrity of the reading frame. This variant is present in population databases (rs780929362, ExAC 0.002%). This variant has not been reported in the literature in individuals with TTN-related conditions. In summary, the available evidence is currently insufficient to determine the role of this variant in disease. Therefore, it has been classified as a Variant of Uncertain Significance. This variant is located in the M band of TTN (PMID: 25589632). Variants in this region may be relevant for neuromuscular disorders, but have not been definitively shown to cause cardiomyopathy (PMID: 23975875).

Literature cited by the submitters: PubMed 25589632; PubMed 23975875.

NM_001267550.2(TTN):c.104449GAA[1] (p.Glu34818del)

Genes: TTN-AS1 (TTN antisense RNA 1; plus strand), TTN (titin; minus strand). Cytogenetic location: 2q31.2.
Variant type: Microsatellite.
Coding change: c.104449GAA[1] on transcript NM_001267550.2 (MANE Select); one copy of the 3-base unit GAA starting at c.104449; the reference has two copies in a row; one copy, 3 bases deleted.
Protein change: p.Glu34818del; deletes glutamic acid 34818.
Molecular consequence: inframe deletion.
Genome position (GRCh38, 1-based): chr2:178,532,161-178,532,163, TTC deleted on the plus strand (GAA on the coding strand, the reverse complement: TTN is on the minus strand); deleting any 3 consecutive bases within chr2:178,532,161-178,532,166 gives the same sequence; the position shown is the placement nearest the transcript's 3' end. VCF-style (leftmost placement, unchanged base first): chr2-178532160-ATTC-A. GRCh37 (hg19) VCF-style: chr2-179396887-ATTC-A.
Other names: c.99526GAA[1], p.Glu33177del (NM_001256850.1); c.77254GAA[1], p.Glu25753del (NM_003319.4); c.96745GAA[1], p.Glu32250del (NM_133378.4); c.77629GAA[1], p.Glu25878del (NM_133432.3); c.77830GAA[1], p.Glu25945del (NM_133437.4); short protein forms E25753del, E25878del, E25945del, E32250del, E33177del, E34818del.
Identifiers: ClinVar variation 1025007 (VCV001025007.9), dbSNP rs780929362, ClinGen allele CA1985425.